The following is an entry in ClinVar:

ClinVar aggregate classification (germline): Conflicting classifications of pathogenicity. Review status: criteria provided, conflicting classifications (1 of 4 stars). 3 submissions from 3 submitters: Uncertain significance (2); Likely benign (1). Last evaluated 2025-03-27.

Conditions:
Inborn genetic diseases. Identifiers: MedGen C0950123, MeSH D030342.
Metaphyseal chondrodysplasia, Schmid type (MCDS). Also called: SPONDYLOMETAPHYSEAL DYSPLASIA, JAPANESE TYPE. Identifiers: Orphanet 174, MedGen C0265289, MONDO:0007983, OMIM 156500.

Allele frequency attached by ClinVar (database versions not stated): ExAC 0.00002; gnomAD exomes 0.00002; TOPMed 0.00006; ESP Exome Variant Server 0.00008.
gnomAD v4.1: 66 of 1,612,686 alleles (0.0041%); highest among the groups gnomAD compares: Non-Finnish European, 0.0052%; no homozygotes.

Submissions (3):

Ambry Genetics
Classification: Uncertain significance for Inborn genetic diseases. Last evaluated: 2025-03-27. Review status: criteria provided, single submitter. Criteria: Ambry Variant Classification Scheme 2023. Collection method: clinical testing. Allele origin: germline.

Labcorp Genetics (formerly Invitae), Labcorp
Classification: Uncertain significance. Last evaluated: 2021-09-18. Review status: criteria provided, single submitter. Criteria: Invitae Variant Classification Sherloc (09022015). Collection method: clinical testing. Allele origin: germline.
Comment: This variant has not been reported in the literature in individuals affected with COL10A1-related conditions. This variant is present in population databases (rs374996283, ExAC 0.003%). This sequence change replaces threonine with asparagine at codon 450 of the COL10A1 protein (p.Thr450Asn). The threonine residue is moderately conserved and there is a small physicochemical difference between threonine and asparagine. ClinVar contains an entry for this variant (Variation ID: 906224). In summary, the available evidence is currently insufficient to determine the role of this variant in disease. Therefore, it has been classified as a Variant of Uncertain Significance. Algorithms developed to predict the effect of sequence changes on RNA splicing suggest that this variant may create or strengthen a splice site. Algorithms developed to predict the effect of missense changes on protein structure and function are either unavailable or do not agree on the potential impact of this missense change (SIFT: "Tolerated"; PolyPhen-2: "Not Available"; Align-GVGD: "Class C0").

Illumina Laboratory Services, Illumina
Classification: Likely benign for Metaphyseal chondrodysplasia, Schmid type. Last evaluated: 2018-01-13. Review status: criteria provided, single submitter. Criteria: ICSL Variant Classification Criteria 13 December 2019. Collection method: clinical testing. Allele origin: germline.
Comment: This variant was observed in the ICSL laboratory as part of a predisposition screen in an ostensibly healthy population. It had not been previously curated by ICSL or reported in the Human Gene Mutation Database (HGMD: prior to June 1st, 2018), and was therefore a candidate for classification through an automated scoring system. Utilizing variant allele frequency, disease prevalence and penetrance estimates, and inheritance mode, an automated score was calculated to assess if this variant is too frequent to cause the disease. Based on the score and internal cut-off values, a variant classified as likely benign is not then subjected to further curation. The score for this variant resulted in a classification of likely benign for this disease.

NM_000493.4(COL10A1):c.1349C>A (p.Thr450Asn)

Genes: COL10A1 (collagen type X alpha 1 chain; minus strand), NT5DC1 (5'-nucleotidase domain containing 1; plus strand). Cytogenetic location: 6q22.1.
Variant type: single nucleotide variant.
Coding change: c.1349C>A on transcript NM_000493.4 (MANE Select); coding-DNA position 1349, C replaced by A.
Protein change: p.Thr450Asn; replaces threonine 450 with asparagine.
Molecular consequence: missense variant. On other transcripts: intron variant (1).
Genome position (GRCh38, 1-based): chr6:116,120,767, G>T on the plus strand (C>A on the coding strand, the complement: COL10A1 is on the minus strand). VCF-style: chr6-116120767-G-T. GRCh37 (hg19) VCF-style: chr6-116441930-G-T.
Other names: c.1349C>A, p.Thr450Asn (NM_001424106.1, NM_001424107.1); c.529+2822G>T (NM_152729.3); short protein forms T450N.
Identifiers: ClinVar variation 906224 (VCV000906224.12), dbSNP rs374996283, ClinGen allele CA3968195.